The following is an entry in ClinVar:

NM_000548.5:c.1_1230del

Gene: TSC2 (TSC complex subunit 2; plus strand).
Variant type: Deletion.
Other names: c.1_1230del (NM_000548.5).
Identifiers: ClinVar variation 3777069 (VCV003777069.1).

ClinVar aggregate classification (germline): Pathogenic (1 of 4 stars; one submission).

Conditions:
Tuberous sclerosis 2 (TSC2). Identifiers: Orphanet 805, MedGen C1860707, MONDO:0013199, OMIM 613254.

Submission:

Oasi Research Institute-IRCCS
Classification: Pathogenic for Tuberous sclerosis 2. Review status: criteria provided, single submitter. Criteria: ACMG Guidelines, 2015. Collection method: research. Allele origin: de novo. Affected: yes.
Comment: The genomic variant represents a tandem large deletion within the coding sequence of the gene. This deletion may lead to a frameshift mutation. It is expected to result in an protein truncation or nonsense mediated decay ACMG criteria: PVS1 (LOF), PP4 (phenotype match), PM2 (absent from control), PP3 (in silico evidence), PS2 (de novo) = Pathogenic. Based on the evidence outlined above, the variant was classified as Pathogenic.